The following is an entry in ClinVar:

ClinVar aggregate classification (germline): Uncertain significance (1 of 4 stars; one submission).

Conditions:
Surfactant metabolism dysfunction, pulmonary, 4 (SMDP4). Also called: CSF2RA DEFICIENCY; PAP DUE TO CSF2RA DEFICIENCY; PULMONARY ALVEOLAR PROTEINOSIS, CONGENITAL, 4. Identifiers: Orphanet 264675, MedGen C2677877, MONDO:0010424, OMIM 300770.

Submission:

Labcorp Genetics (formerly Invitae), Labcorp
Classification: Uncertain significance for Surfactant metabolism dysfunction, pulmonary, 4. Last evaluated: 2022-05-04. Review status: criteria provided, single submitter. Criteria: Invitae Variant Classification Sherloc (09022015). Collection method: clinical testing. Allele origin: germline.
Comment: Algorithms developed to predict the effect of missense changes on protein structure and function are either unavailable or do not agree on the potential impact of this missense change (SIFT: "Deleterious"; PolyPhen-2: "Not Available"; Align-GVGD: "Class C0"). This variant has not been reported in the literature in individuals affected with CSF2RA-related conditions. This variant is not present in population databases (gnomAD no frequency). In summary, the available evidence is currently insufficient to determine the role of this variant in disease. Therefore, it has been classified as a Variant of Uncertain Significance. This sequence change replaces threonine, which is neutral and polar, with lysine, which is basic and polar, at codon 6 of the CSF2RA protein (p.Thr6Lys).

NM_172245.4(CSF2RA):c.17C>A (p.Thr6Lys)

Gene: CSF2RA (colony stimulating factor 2 receptor subunit alpha; plus strand). Cytogenetic location: Xp22.33.
Variant type: single nucleotide variant.
Coding change: c.17C>A on transcript NM_172245.4 (MANE Select); coding-DNA position 17, C replaced by A.
Protein change: p.Thr6Lys; replaces threonine 6 with lysine.
Molecular consequence: missense variant. On other transcripts: 5 prime UTR variant (1), non-coding transcript variant (1).
Genome position (GRCh38, 1-based): chrX:1,282,720, C>A. VCF-style: chrX-1282720-C-A. GRCh37 (hg19) VCF-style: chrX-1401613-C-A.
Other names: c.17C>A, p.Thr6Lys (NM_001161530.2, NM_001161531.2, NM_001379156.1 and 21 more transcripts); c.-240C>A (NM_001161532.2); short protein forms T6K.
Identifiers: ClinVar variation 2133690 (VCV002133690.4), dbSNP rs2521404156, ClinGen allele CA2580102058.